The following is an entry in ClinVar:

ClinVar aggregate classification (germline): Likely benign (0 of 4 stars; one submission).

Conditions:
CTBP2-related disorder. Also called: CTBP2-related condition.

Allele frequency attached by ClinVar (database versions not stated): 1000 Genomes Project 0.00060; 1000 Genomes Project 30x 0.00062; ESP Exome Variant Server 0.00096.
gnomAD v4.1: 3,634 of 1,607,508 alleles (0.23%); highest among the groups gnomAD compares: South Asian, 0.34%; 13 homozygotes.

Submission:

PreventionGenetics, part of Exact Sciences
Classification: Likely benign for CTBP2-related condition. Last evaluated: 2022-09-19. Review status: no assertion criteria provided. Collection method: clinical testing. Allele origin: germline.
Comment: This variant is classified as likely benign based on ACMG/AMP sequence variant interpretation guidelines (Richards et al. 2015 PMID: 25741868, with internal and published modifications).

NM_001329.4(CTBP2):c.58+12321G>C

Gene: CTBP2 (C-terminal binding protein 2; minus strand). Cytogenetic location: 10q26.13.
Variant type: single nucleotide variant.
Coding change: c.58+12321G>C on transcript NM_001329.4 (MANE Select); 12321 bases into the intron after coding-DNA position 58, G replaced by C.
Molecular consequence: intron variant. On other transcripts: missense variant (1).
Genome position (GRCh38, 1-based): chr10:125,026,676, C>G on the plus strand (G>C on the coding strand, the complement: CTBP2 is on the minus strand). VCF-style: chr10-125026676-C-G. GRCh37 (hg19) VCF-style: chr10-126715245-C-G.
Other names: c.1084G>C, p.Gly362Arg (NM_022802.3); c.58+12321G>C (NM_001083914.3, NM_001290214.3, NM_001321012.2 and 3 more transcripts); short protein forms G362R.
Identifiers: ClinVar variation 3043467 (VCV003043467.2), dbSNP rs202010294, ClinGen allele CA5736344.